The following is an entry in ClinVar:

NM_198428.3(BBS9):c.2216C>T (p.Ala739Val)

Gene: BBS9 (Bardet-Biedl syndrome 9; plus strand). Cytogenetic location: 7p14.3.
Variant type: single nucleotide variant.
Coding change: c.2216C>T on transcript NM_198428.3 (MANE Select); coding-DNA position 2216, C replaced by T.
Protein change: p.Ala739Val; replaces alanine 739 with valine.
Molecular consequence: missense variant. On other transcripts: non-coding transcript variant (3), intron variant (1).
Genome position (GRCh38, 1-based): chr7:33,505,563, C>T. VCF-style: chr7-33505563-C-T. GRCh37 (hg19) VCF-style: chr7-33545175-C-T.
Other names: c.2111C>T, p.Ala704Val (NM_001033604.2); c.2201C>T, p.Ala734Val (NM_001033605.2); c.2216C>T, p.Ala739Val (NM_001348036.1, NM_001348041.4, NM_001348043.3 and 1 more transcripts); c.1943C>T, p.Ala648Val (NM_001348038.3); c.1838C>T, p.Ala613Val (NM_001348039.3); c.2096C>T, p.Ala699Val (NM_001348040.3, NM_014451.4); c.2081C>T, p.Ala694Val (NM_001348042.3); c.1745C>T, p.Ala582Val (NM_001348044.3); and 2 more; short protein forms A739V, A699V, A582V, A613V, A617V, A648V, A734V, A694V.
Identifiers: ClinVar variation 210514 (VCV000210514.25), dbSNP rs116483694, ClinGen allele CA209597.

ClinVar aggregate classification (germline): Benign/Likely benign. Review status: criteria provided, multiple submitters, no conflicts (2 of 4 stars). 9 submissions from 9 submitters: Benign (4); Likely benign (4). 1 of the submissions does not count toward it. Last evaluated 2026-01-20.

Conditions:
Bardet-Biedl syndrome (BBS). Identifiers: Orphanet 110, MedGen C0752166, MONDO:0015229.
Bardet-Biedl syndrome 1 (BBS1). Identifiers: MedGen C2936862, MONDO:0008854, OMIM 209900. Disease mechanism: loss of function.
Bardet-Biedl syndrome 9 (BBS9). Identifiers: Orphanet 110, MedGen C1859567, MONDO:0014437, OMIM 615986.

Allele frequency attached by ClinVar (database versions not stated): gnomAD exomes 0.00033 and 0.00077; ExAC 0.00096; gnomAD 0.00287; TOPMed 0.00322; 1000 Genomes Project 0.00399; 1000 Genomes Project 30x 0.00406; ESP Exome Variant Server 0.00469.
gnomAD v4.1: 914 of 1,614,118 alleles (0.057%); highest among the groups gnomAD compares: African/African-American, 0.99%; 3 homozygotes.

Submissions (9):

Labcorp Genetics (formerly Invitae), Labcorp
Classification: Benign for Bardet-Biedl syndrome. Last evaluated: 2026-01-20. Review status: criteria provided, single submitter. Criteria: Invitae Variant Classification Sherloc (09022015). Collection method: clinical testing. Allele origin: germline.

Blueprint Genetics
Classification: Likely benign. Last evaluated: 2024-09-07. Review status: criteria provided, single submitter. Criteria: ACMG Guidelines, 2015. Collection method: clinical testing. Allele origin: germline.

Genetic Services Laboratory, University of Chicago
Classification: Benign. Last evaluated: 2018-07-24. Review status: criteria provided, single submitter. Criteria: ACMG Guidelines, 2015. Collection method: clinical testing. Allele origin: germline. Affected: no.

Illumina Laboratory Services, Illumina
Classification: Likely benign for Bardet-Biedl syndrome 9. Last evaluated: 2018-01-13. Review status: criteria provided, single submitter. Criteria: ICSL Variant Classification Criteria 13 December 2019. Collection method: clinical testing. Allele origin: germline.
Comment: This variant was observed in the ICSL laboratory as part of a predisposition screen in an ostensibly healthy population. It had not been previously curated by ICSL or reported in the Human Gene Mutation Database (HGMD: prior to June 1st, 2018), and was therefore a candidate for classification through an automated scoring system. Utilizing variant allele frequency, disease prevalence and penetrance estimates, and inheritance mode, an automated score was calculated to assess if this variant is too frequent to cause the disease. Based on the score and internal cut-off values, a variant classified as likely benign is not then subjected to further curation. The score for this variant resulted in a classification of likely benign for this disease.

Clinical Genetics DNA and cytogenetics Diagnostics Lab, Erasmus MC, Erasmus Medical Center
Classification: Benign for Bardet-Biedl syndrome 1. Last evaluated: 2017-05-31. Review status: criteria provided, single submitter. Criteria: ACGS Guidelines, 2013. Collection method: clinical testing. Allele origin: germline. Affected: yes. Study: VKGL Data-share Consensus.

GeneDx
Classification: Likely benign. Last evaluated: 2016-02-17. Review status: criteria provided, single submitter. Criteria: GeneDx Variant Classification (06012015). Collection method: clinical testing. Allele origin: germline. Affected: yes.
Comment: This variant is considered likely benign or benign based on one or more of the following criteria: it is a conservative change, it occurs at a poorly conserved position in the protein, it is predicted to be benign by multiple in silico algorithms, and/or has population frequency not consistent with disease.

Genome Diagnostics Laboratory, University Medical Center Utrecht
Classification: Benign for Bardet-Biedl syndrome 1. Last evaluated: 2014-12-15. Review status: criteria provided, single submitter. Criteria: ACGS Guidelines, 2013. Collection method: clinical testing. Allele origin: germline. Affected: yes. Study: VKGL Data-share Consensus.

Breakthrough Genomics
Classification: Likely benign. Review status: criteria provided, single submitter. Criteria: ACMG Guidelines, 2015. Collection method: not provided. Allele origin: germline. Inheritance: Autosomal recessive inheritance. Affected: yes.

Clinical Genetics, Academic Medical Center
Classification: Benign. Review status: no assertion criteria provided. Collection method: clinical testing. Allele origin: germline. Affected: yes. Study: VKGL Data-share Consensus. Not counted in ClinVar's aggregate classification.